The following is an entry in ClinVar:

ClinVar aggregate classification (germline): Benign. Review status: criteria provided, multiple submitters, no conflicts (2 of 4 stars). 2 submissions from 2 submitters: Benign (2). Last evaluated 2018-01-13.

Conditions:
Methylmalonic aciduria, cblA type (MACA). Also called: Methylmalonic aciduria, vitamin b12-responsive, due to defect in synthesis of adenosylcobalamin, cbla complementation type; MMA cbl A type; Methylmalonic acidemia cblA type; Methylmalonic aciduria, vitamin B12-responsive; Vitamin B12-responsive methylmalonic acidemia type cblA. Identifiers: Orphanet 28, Orphanet 79310, MedGen C1855109, MONDO:0009613, OMIM 251100.

Allele frequency attached by ClinVar (database versions not stated): gnomAD exomes 0.44643; gnomAD 0.51293 and 0.51441; TOPMed 0.53228; 1000 Genomes Project 0.56569; 1000 Genomes Project 30x 0.56808.
gnomAD v4.1: 77,932 of 151,926 alleles (51%); highest among the groups gnomAD compares: African/African-American, 71%; 21,341 homozygotes.

Submissions (2):

Illumina Laboratory Services, Illumina
Classification: Benign for Methylmalonic aciduria, cblA type. Last evaluated: 2018-01-13. Review status: criteria provided, single submitter. Criteria: ICSL Variant Classification Criteria 13 December 2019. Collection method: clinical testing. Allele origin: germline.
Comment: This variant was observed in the ICSL laboratory as part of a predisposition screen in an ostensibly healthy population. It had not been previously curated by ICSL or reported in the Human Gene Mutation Database (HGMD: prior to June 1st, 2018), and was therefore a candidate for classification through an automated scoring system. Utilizing variant allele frequency, disease prevalence and penetrance estimates, and inheritance mode, an automated score was calculated to assess if this variant is too frequent to cause the disease. Based on the score and internal cut-off values, a variant classified as benign is not then subjected to further curation. The score for this variant resulted in a classification of benign for this disease.

Breakthrough Genomics
Classification: Benign. Review status: criteria provided, single submitter. Criteria: ACMG Guidelines, 2015. Collection method: not provided. Allele origin: germline. Inheritance: Autosomal recessive inheritance. Affected: yes.

NM_172250.3(MMAA):c.*2608T>C

Gene: MMAA (metabolism of cobalamin associated A; plus strand). Cytogenetic location: 4q31.21.
Variant type: single nucleotide variant.
Coding change: c.*2608T>C on transcript NM_172250.3 (MANE Select); 2608 bases downstream of the stop codon, T replaced by C.
Molecular consequence: 3 prime UTR variant.
Genome position (GRCh38, 1-based): chr4:145,658,042, T>C. VCF-style: chr4-145658042-T-C. GRCh37 (hg19) VCF-style: chr4-146579194-T-C.
Identifiers: ClinVar variation 347647 (VCV000347647.6), dbSNP rs7699187, ClinGen allele CA10617139.